The following is an entry in ClinVar:

NM_019066.5(MAGEL2):c.1912C>T (p.Gln638Ter)

Gene: MAGEL2 (MAGE family member L2; minus strand). Cytogenetic location: 15q11.2.
Variant type: single nucleotide variant.
Coding change: c.1912C>T on transcript NM_019066.5 (MANE Select); coding-DNA position 1912, C replaced by T.
Protein change: p.Gln638Ter; replaces glutamine 638 with a stop codon.
Molecular consequence: nonsense.
Genome position (GRCh38, 1-based): chr15:23,645,831, G>A on the plus strand (C>T on the coding strand, the complement: MAGEL2 is on the minus strand). VCF-style: chr15-23645831-G-A. GRCh37 (hg19) VCF-style: chr15-23890978-G-A.
Other names: short protein forms Q638*.
Identifiers: ClinVar variation 208684 (VCV000208684.21), dbSNP rs797044883, ClinGen allele CA204677.

ClinVar aggregate classification (germline): Pathogenic/Likely pathogenic. Review status: criteria provided, multiple submitters, no conflicts (2 of 4 stars). 12 submissions from 12 submitters: Pathogenic (9); Likely pathogenic (1). 2 of the submissions do not count toward it. Last evaluated 2024-11-20.

Conditions:
Inborn genetic diseases. Identifiers: MedGen C0950123, MeSH D030342.
Schaaf-Yang syndrome (SHFYNG). Also called: MAGEL2-related Prader-Willi-like syndrome; Arthrogryposis, distal, with hypopituitarism, intellectual disability, and facial anomalies. Identifiers: Orphanet 398069, MedGen C5575066, MONDO:0014243, OMIM 615547.
MAGEL2-related disorder. Also called: MAGEL2-related condition.
Prader-Willi syndrome (PWS). Identifiers: Orphanet 739, MedGen C0032897, MONDO:0008300, OMIM 176270. Disease mechanism: Microdeletion, loss of function. Inheritance: Microdletion.

Submissions (12):

3billion
Classification: Pathogenic for Schaaf-Yang syndrome. Last evaluated: 2024-11-20. Review status: criteria provided, single submitter. Criteria: ACMG Guidelines, 2015. Collection method: clinical testing. Allele origin: germline. Affected: yes.
Comment: The variant is not observed in the gnomAD v4.1.0 dataset. Predicted Consequence/Location: Stop-gained (nonsense): predicted to result in a loss or disruption of normal protein function through protein truncation. The predicted truncated protein may be shortened by more than 10% and a dominant negative effect has been reported near truncated region. The variant has been reported at least twice as pathogenic with clinical assertions and evidence for the classification (ClinVar ID: VCV000208684 /PMID: 27195816). Therefore, this variant is classified as Pathogenic according to the recommendation of ACMG/AMP guideline.

Genomic Medicine Center of Excellence, King Faisal Specialist Hospital and Research Centre
Classification: Pathogenic for Schaaf-Yang syndrome. Last evaluated: 2024-04-04. Review status: criteria provided, single submitter. Criteria: ACMG Guidelines, 2015. Collection method: clinical testing. Allele origin: germline.

GeneDx
Classification: Pathogenic. Last evaluated: 2023-10-08. Review status: criteria provided, single submitter. Criteria: GeneDx Variant Classification Process June 2021. Collection method: clinical testing. Allele origin: germline. Affected: yes.
Comment: Nonsense variant predicted to result in protein truncation, as the last 612 amino acids are lost, and other loss-of-function variants have been reported downstream in HGMD; Not observed at significant frequency in large population cohorts (gnomAD); This variant is associated with the following publications: (PMID: 27195816, 31501239, 28281571, 31791363, 29359444, 34128869, 35595280, 34051361, 37404980, 33726816, 36243518)

PreventionGenetics, part of Exact Sciences
Classification: Pathogenic for MAGEL2-related condition. Last evaluated: 2023-04-20. Review status: criteria provided, single submitter. Criteria: ACMG Guidelines, 2015. Collection method: clinical testing. Allele origin: germline.
Comment: The MAGEL2 c.1912C>T variant is predicted to result in premature protein termination (p.Gln638*). This variant was reported in multiple individuals with Schaaf-Yang syndrome and de novo occurrences have been noted in several cases (Urreizti et al. 2017. PubMed ID: 28281571; Halloun et al. 2021. PubMed ID: 34051361; Negishi et al. 2019. PubMed ID: 31791363). This variant was also reported in a patient with neonatal demise (Yang et al. 2019. PubMed ID: 31501239). This variant has not been reported in a large population database, indicating this variant is rare. This variant has been interpreted as pathogenic and likely pathogenic by multiple submitters in ClinVar. Nonsense variants in MAGEL2 are expected to be pathogenic. This variant is interpreted as pathogenic.

HudsonAlpha Institute for Biotechnology
Classification: Pathogenic for Schaaf-Yang syndrome. Last evaluated: 2021-10-13. Review status: criteria provided, single submitter. Criteria: ACMG Guidelines, 2015. Collection method: research. Allele origin: unknown. Affected: yes. Observed: 1 variant allele. Study: CSER-SouthSeq.
Comment: ACMG codes: PVS1; PS4M; PM2; PP5

Center for Molecular Medicine, Children’s Hospital of Fudan University
Classification: Pathogenic for Schaaf-Yang syndrome. Last evaluated: 2021-05-19. Review status: criteria provided, single submitter. Criteria: ACMG Guidelines, 2015. Collection method: clinical testing. Allele origin: paternal. Affected: yes.

ARUP Laboratories, Molecular Genetics and Genomics, ARUP Laboratories
Classification: Pathogenic for Schaaf-Yang syndrome. Last evaluated: 2019-06-26. Review status: criteria provided, single submitter. Criteria: ARUP Molecular Germline Variant Investigation Process. Collection method: clinical testing. Allele origin: germline.

Fulgent Genetics
Classification: Pathogenic for Prader-Willi syndrome; Schaaf-Yang syndrome. Last evaluated: 2018-10-31. Review status: criteria provided, single submitter. Criteria: ACMG Guidelines, 2015. Collection method: clinical testing. Allele origin: unknown.

Genomic Diagnostic Laboratory, Division of Genomic Diagnostics, Children's Hospital of Philadelphia
Classification: Likely pathogenic. Last evaluated: 2015-12-03. Review status: criteria provided, single submitter. Criteria: DGD Variant Analysis Guidelines. Collection method: clinical testing. Allele origin: unknown.

Ambry Genetics
Classification: Pathogenic for Inborn genetic diseases. Last evaluated: 2014-09-03. Review status: criteria provided, single submitter. Criteria: Ambry exome assertion method (8-5-2015). Collection method: clinical testing. Allele origin: germline. Affected: yes. Observed: 1 variant allele.

Department Of Pediatrics And Neonatology, Nagoya City University Graduate School Of Medical Sciences
Classification: Pathogenic for Schaaf-Yang syndrome. Last evaluated: 2018-06-25. Review status: no assertion criteria provided. Collection method: clinical testing. Allele origin: unknown, de novo. Affected: yes. Observed: 2 variant alleles. Not counted in ClinVar's aggregate classification.

OMIM
Classification: Pathogenic for SCHAAF-YANG SYNDROME. Last evaluated: 2017-09-26. Review status: no assertion criteria provided. Collection method: literature only. Allele origin: germline. Not counted in ClinVar's aggregate classification.

Literature cited by the submitters: PubMed 27195816 (cited by 3billion and OMIM); PubMed 28281571 (cited by OMIM).